The following is an entry in ClinVar:

NM_000127.3(EXT1):c.2044_2047del (p.Met682fs)

Gene: EXT1 (exostosin glycosyltransferase 1; minus strand). Cytogenetic location: 8q24.11.
Variant type: Deletion.
Coding change: c.2044_2047del on transcript NM_000127.3 (MANE Select); coding-DNA positions 2044 to 2047, 4 bases deleted (ATGA; older notation c.2044_2047delATGA).
Protein change: p.Met682fs; shifts the reading frame from methionine 682.
Molecular consequence: frameshift variant.
Genome position (GRCh38, 1-based): chr8:117,804,730-117,804,733, TCAT deleted on the plus strand (ATGA on the coding strand, the reverse complement: EXT1 is on the minus strand); deleting any 4 consecutive bases within chr8:117,804,730-117,804,734 gives the same sequence; the c. name uses the placement nearest the transcript's 3' end. VCF-style (leftmost placement, unchanged base first): chr8-117804729-ATCAT-A. GRCh37 (hg19) VCF-style: chr8-118816968-ATCAT-A.
Other names: short protein forms M682fs.
Identifiers: ClinVar variation 834281 (VCV000834281.9), dbSNP rs1823212594, ClinGen allele CA916081513.

ClinVar aggregate classification (germline): Pathogenic (1 of 4 stars; one submission).

Conditions:
Multiple congenital exostosis (EXT). Also called: Hereditary multiple exostoses; Hereditary multiple exostosis; Hereditary multiple osteochondromas; MULTIPLE CARTILAGINOUS EXOSTOSES; Multiple exostoses; Multiple osteochondromas. Identifiers: Orphanet 321, MedGen C0015306, MONDO:0005508, HP:0002762.

Submission:

Labcorp Genetics (formerly Invitae), Labcorp
Classification: Pathogenic for Multiple congenital exostosis. Last evaluated: 2019-12-03. Review status: criteria provided, single submitter. Criteria: Invitae Variant Classification Sherloc (09022015). Collection method: clinical testing. Allele origin: germline.
Comment: This variant is not present in population databases (ExAC no frequency). For these reasons, this variant has been classified as Pathogenic. This variant disrupts the C-terminus of the EXT1 protein. Other variant(s) that disrupt this region (p.Trp711*) have been determined to be pathogenic (PMID: 29620724, Invitae). This suggests that variants that disrupt this region of the protein are likely to be causative of disease. This variant has not been reported in the literature in individuals with EXT1-related conditions. This sequence change results in a premature translational stop signal in the EXT1 gene (p.Met682Trpfs*23). While this is not anticipated to result in nonsense mediated decay, it is expected to disrupt the last 65 amino acids of the EXT1 protein.

Literature cited by the submitters: PubMed 29620724.